The following is an entry in ClinVar:

NM_001365536.1(SCN9A):c.3512A>G (p.Glu1171Gly)

Genes: SCN9A (sodium voltage-gated channel alpha subunit 9; minus strand), SCN1A-AS1 (SCN1A and SCN9A antisense RNA 1; plus strand). Cytogenetic location: 2q24.3.
Variant type: single nucleotide variant.
Coding change: c.3512A>G on transcript NM_001365536.1 (MANE Select); coding-DNA position 3512, A replaced by G.
Protein change: p.Glu1171Gly; replaces glutamic acid 1171 with glycine.
Molecular consequence: missense variant.
Genome position (GRCh38, 1-based): chr2:166,242,617, T>C on the plus strand (A>G on the coding strand, the complement: SCN9A is on the minus strand). VCF-style: chr2-166242617-T-C. GRCh37 (hg19) VCF-style: chr2-167099127-T-C.
Other names: c.3479A>G, p.Glu1160Gly (NM_002977.4); short protein forms E1160G, E1171G.
Identifiers: ClinVar variation 1354051 (VCV001354051.6), dbSNP rs1036527497, ClinGen allele CA59814621.

ClinVar aggregate classification (germline): Uncertain significance (1 of 4 stars; one submission).

Conditions:
Generalized epilepsy with febrile seizures plus, type 7 (GEFSP7). Also called: GEFS+, TYPE 7. Identifiers: Orphanet 36387, MedGen C2751778, MONDO:0013470, OMIM 613863.
Neuropathy, hereditary sensory and autonomic, type 2A (HSAN2A). Also called: WNK1-Related HSAN2 (HSAN2A); MORVAN DISEASE; NEUROPATHY, CONGENITAL SENSORY; NEUROPATHY, HEREDITARY SENSORY RADICULAR, AUTOSOMAL RECESSIVE; NEUROPATHY, HEREDITARY SENSORY, TYPE IIA; NEUROPATHY, PROGRESSIVE SENSORY, OF CHILDREN. Identifiers: Orphanet 970, MedGen C2752089, MONDO:0024309, OMIM 201300.

Allele frequency attached by ClinVar (database versions not stated): gnomAD 0.00001; gnomAD exomes 0.00001; TOPMed 0.00003.
gnomAD v4.1: 5 of 1,553,820 alleles (0.00032%); highest among the groups gnomAD compares: African/African-American, 0.0068%; no homozygotes.

Submission:

Labcorp Genetics (formerly Invitae), Labcorp
Classification: Uncertain significance for Neuropathy, hereditary sensory and autonomic, type 2A; Generalized epilepsy with febrile seizures plus, type 7. Last evaluated: 2025-07-14. Review status: criteria provided, single submitter. Criteria: Invitae Variant Classification Sherloc (09022015). Collection method: clinical testing. Allele origin: germline.
Comment: This sequence change replaces glutamic acid, which is acidic and polar, with glycine, which is neutral and non-polar, at codon 1160 of the SCN9A protein (p.Glu1160Gly). This variant is present in population databases (no rsID available, gnomAD 0.01%). This variant has not been reported in the literature in individuals affected with SCN9A-related conditions. ClinVar contains an entry for this variant (Variation ID: 1354051). Invitae Evidence Modeling of protein sequence and biophysical properties (such as structural, functional, and spatial information, amino acid conservation, physicochemical variation, residue mobility, and thermodynamic stability) indicates that this missense variant is not expected to disrupt SCN9A protein function with a negative predictive value of 95%. In summary, the available evidence is currently insufficient to determine the role of this variant in disease. Therefore, it has been classified as a Variant of Uncertain Significance.